The following is an entry in ClinVar:

ClinVar aggregate classification (germline): Uncertain significance (1 of 4 stars; one submission).

Conditions:
Chromosome 2q32-q33 deletion syndrome (GLASS). Also called: Glass syndrome; 2q33.1 deletion syndrome. Identifiers: Orphanet 251019, MedGen C2676739, MONDO:0012864, OMIM 612313.

Submission:

Labcorp Genetics (formerly Invitae), Labcorp
Classification: Uncertain significance for Chromosome 2q32-q33 deletion syndrome. Last evaluated: 2022-07-05. Review status: criteria provided, single submitter. Criteria: Invitae Variant Classification Sherloc (09022015). Collection method: clinical testing. Allele origin: germline.
Comment: In summary, the available evidence is currently insufficient to determine the role of this variant in disease. Therefore, it has been classified as a Variant of Uncertain Significance. Advanced modeling of protein sequence and biophysical properties (such as structural, functional, and spatial information, amino acid conservation, physicochemical variation, residue mobility, and thermodynamic stability) performed at Invitae indicates that this missense variant is not expected to disrupt SATB2 protein function. This variant has not been reported in the literature in individuals affected with SATB2-related conditions. This variant is not present in population databases (gnomAD no frequency). This sequence change replaces lysine, which is basic and polar, with threonine, which is neutral and polar, at codon 675 of the SATB2 protein (p.Lys675Thr).

NM_001172509.2(SATB2):c.2024A>C (p.Lys675Thr)

Genes: SATB2 (SATB homeobox 2; minus strand), LOC126806462 (MED14-independent group 3 enhancer GRCh37_chr2:200136608-200137807; plus strand). Cytogenetic location: 2q33.1.
Variant type: single nucleotide variant.
Coding change: c.2024A>C on transcript NM_001172509.2 (MANE Select); coding-DNA position 2024, A replaced by C.
Protein change: p.Lys675Thr; replaces lysine 675 with threonine.
Molecular consequence: missense variant.
Genome position (GRCh38, 1-based): chr2:199,272,389, T>G on the plus strand (A>C on the coding strand, the complement: SATB2 is on the minus strand). VCF-style: chr2-199272389-T-G. GRCh37 (hg19) VCF-style: chr2-200137112-T-G.
Other names: c.2024A>C, p.Lys675Thr (NM_001172517.1, NM_015265.4); short protein forms K675T.
Identifiers: ClinVar variation 1967969 (VCV001967969.5), dbSNP rs1397644010, ClinGen allele CA350385466.
Genomic context (GRCh38, chr2:199,272,389, plus strand): 5'-AGCAGCTCCTCGTCCTTATATTCAGCCACGTCCACCGCGGAGCCCAGGTGCTCTTTCAGC[T>G]TCCCGTGGTGCTTCACGTGGTACCGCTGGTTCTGGAAGAACTTGATGATGGTGTGTTTGG-3'
Protein context (NP_001165980.1, residues 665-685): NQRYHVKHHG[Lys675Thr]LKEHLGSAVD